The following is an entry in ClinVar:

NM_013436.5(NCKAP1):c.1051A>C (p.Lys351Gln)

Gene: NCKAP1 (NCK associated protein 1; minus strand). Cytogenetic location: 2q32.1.
Variant type: single nucleotide variant.
Coding change: c.1051A>C on transcript NM_013436.5 (MANE Select); coding-DNA position 1051, A replaced by C.
Protein change: p.Lys351Gln; replaces lysine 351 with glutamine.
Molecular consequence: missense variant.
Genome position (GRCh38, 1-based): chr2:182,983,336, T>G on the plus strand (A>C on the coding strand, the complement: NCKAP1 is on the minus strand). VCF-style: chr2-182983336-T-G. GRCh37 (hg19) VCF-style: chr2-183848064-T-G.
Other names: c.1069A>C, p.Lys357Gln (NM_205842.3); short protein forms K351Q, K357Q.
Identifiers: ClinVar variation 4056996 (VCV004056996.1).

ClinVar aggregate classification (germline): Uncertain significance (1 of 4 stars; one submission).

Submission:

GeneDx
Classification: Uncertain significance. Last evaluated: 2025-01-09. Review status: criteria provided, single submitter. Criteria: GeneDx Variant Classification Process June 2021. Collection method: clinical testing. Allele origin: germline. Affected: yes.
Comment: Not observed at significant frequency in large population cohorts (gnomAD); In silico analysis supports that this missense variant has a deleterious effect on protein structure/function; Has not been previously published as pathogenic or benign to our knowledge